The following is an entry in ClinVar:

ClinVar aggregate classification (germline): Pathogenic (1 of 4 stars; one submission).

Conditions:
PKD1-Biallelic Autosomal Recessive Polycystic Kidney Disease.

Submission:

Women's Health and Genetics/Laboratory Corporation of America, LabCorp
Classification: Pathogenic for PKD1-Biallelic Autosomal Recessive Polycystic Kidney Disease. Last evaluated: 2025-03-27. Review status: criteria provided, single submitter. Criteria: LabCorp Variant Classification Summary - May 2015. Collection method: clinical testing. Allele origin: germline.
Comment: Variant summary: PKD1 c.3124_3127dupGGCG (p.Val1043GlyfsX59) results in a premature termination codon, predicted to cause a truncation of the encoded protein or absence of the protein due to nonsense mediated decay, which are commonly known mechanisms for disease. The variant was absent in 240932 control chromosomes (gnomAD). To our knowledge, no occurrence of c.3124_3127dupGGCG in individuals affected with PKD1-Biallelic Autosomal Recessive Polycystic Kidney Disease and no experimental evidence demonstrating its impact on protein function have been reported. No submitters have cited clinical-significance assessments for this variant to ClinVar. Based on the evidence outlined above, the variant was classified as pathogenic.

NM_001009944.3(PKD1):c.3124_3127dup (p.Val1043fs)

Gene: PKD1 (polycystin 1, transient receptor potential channel interacting; minus strand). Cytogenetic location: 16p13.3.
Variant type: Microsatellite.
Coding change: c.3124_3127dup on transcript NM_001009944.3 (MANE Select); coding-DNA positions 3124 to 3127, 4 bases duplicated (GGCG; older notation c.3124_3127dupGGCG).
Protein change: p.Val1043fs; shifts the reading frame from valine 1043.
Molecular consequence: frameshift variant.
Genome position (GRCh38, 1-based): chr16:2,112,822-2,112,825, CGCC duplicated on the plus strand (GGCG on the coding strand, the reverse complement: PKD1 is on the minus strand); duplicating any 4 consecutive bases within chr16:2,112,822-2,112,829 gives the same sequence; the c. name uses the placement nearest the transcript's 3' end. VCF-style (leftmost placement, unchanged base first): chr16-2112821-A-ACGCC. GRCh37 (hg19) VCF-style: chr16-2162822-A-ACGCC.
Other names: c.3124_3127dup, p.Val1043fs (NM_000296.4); c.3124_3127dupGGCG (NM_001009944.3); short protein forms V1043fs.
Identifiers: ClinVar variation 3895896 (VCV003895896.1).